The following is an entry in ClinVar:

NM_178012.5(TUBB2B):c.1330G>A (p.Glu444Lys)

Gene: TUBB2B (tubulin beta 2B class IIb; minus strand). Cytogenetic location: 6p25.2.
Variant type: single nucleotide variant.
Coding change: c.1330G>A on transcript NM_178012.5 (MANE Select); coding-DNA position 1330, G replaced by A.
Protein change: p.Glu444Lys; replaces glutamic acid 444 with lysine.
Molecular consequence: missense variant.
Genome position (GRCh38, 1-based): chr6:3,224,759, C>T on the plus strand (G>A on the coding strand, the complement: TUBB2B is on the minus strand). VCF-style: chr6-3224759-C-T. GRCh37 (hg19) VCF-style: chr6-3224993-C-T.
Other names: short protein forms E444K.
Identifiers: ClinVar variation 3256782 (VCV003256782.4).

ClinVar aggregate classification (germline): Conflicting classifications of pathogenicity. Review status: criteria provided, conflicting classifications (1 of 4 stars). 3 submissions from 3 submitters: Uncertain significance (1); Likely benign (1). 1 of the submissions does not count toward it. Last evaluated 2026-04-14.

Conditions:
Complex cortical dysplasia with other brain malformations 7. Identifiers: Orphanet 300573, MedGen C3552236, MONDO:0012399, OMIM 610031.
Complex cortical dysplasia with other brain malformations. Identifiers: MedGen CN228165, MONDO:0000904.

Submissions (3):

Dasa
Classification: Uncertain significance for Complex cortical dysplasia with other brain malformations. Last evaluated: 2026-04-14. Review status: criteria provided, single submitter. Criteria: DASA Assertion Criteria. Collection method: clinical testing. Allele origin: germline.
Comment: NM_178012.5(TUBB2B):c.1330G>A (p.Glu444Lys) is a missense variant that results in the substitution of glutamic acid with lysine. This variant is rare in population databases. The currently available literature and clinical evidence are not sufficient to establish a definitive association between this variant and the reported condition. Therefore, this variant is classified as a variant of uncertain significance.

Laboratory of Genetics, Children's Clinical University Hospital Latvia
Classification: Likely benign. Last evaluated: 2025-02-16. Review status: criteria provided, single submitter. Criteria: ACMG Guidelines, 2015. Collection method: clinical testing. Allele origin: germline. Affected: yes.

Solve-RD Consortium
Classification: Likely pathogenic for Complex cortical dysplasia with other brain malformations 7. Last evaluated: 2022-06-01. Review status: no assertion criteria provided. Collection method: provider interpretation. Allele origin: inherited. Affected: yes. Not counted in ClinVar's aggregate classification.
Comment: Variant confirmed as disease-causing by referring clinical team

Variant identified during reanalysis of unsolved cases by the Solve-RD project. The Solve-RD project has received funding from the European Union’s Horizon 2020 research and innovation programme under grant agreement No 779257.

Literature cited by the submitters: PubMed 39825153 (cited by Solve-RD Consortium).